The following is an entry in ClinVar:

NM_133510.4(RAD51B):c.316-19_316-3dup

Gene: RAD51B (RAD51 paralog B; plus strand). Cytogenetic location: 14q24.1.
Variant type: Duplication.
Coding change: c.316-19_316-3dup on transcript NM_133510.4 (MANE Select); 19 bases into the intron before coding-DNA position 316 through 3 bases into the intron before coding-DNA position 316, 17 bases duplicated (TTTTTTTTTTTTTTTTT).
Molecular consequence: intron variant.
Genome position (GRCh38, 1-based): chr14:67,864,984-67,865,000, TTTTTTTTTTTTTTTTT duplicated; duplicating any 17 consecutive bases within chr14:67,864,962-67,865,000 gives the same sequence; the c. name uses the placement nearest the transcript's 3' end. VCF-style (leftmost placement, unchanged base first): chr14-67864961-C-CTTTTTTTTTTTTTTTTT. GRCh37 (hg19) VCF-style: chr14-68331678-C-CTTTTTTTTTTTTTTTTT.
Other names: c.316-19_316-3dup (NM_001321818.2, NM_001321809.2, NM_001321821.2 and 6 more transcripts); c.-42-19_-42-3dup (NM_001321817.2); c.202-19_202-3dup (NM_001321815.1).
Identifiers: ClinVar variation 3054260 (VCV003054260.2), dbSNP rs745505141, ClinGen allele CA964257137.

ClinVar aggregate classification (germline): Likely benign (0 of 4 stars; one submission).

Conditions:
RAD51B-related disorder. Also called: RAD51B-related condition.

Submission:

PreventionGenetics, part of Exact Sciences
Classification: Likely benign for RAD51B-related condition. Last evaluated: 2020-06-16. Review status: no assertion criteria provided. Collection method: clinical testing. Allele origin: germline.
Comment: This variant is classified as likely benign based on ACMG/AMP sequence variant interpretation guidelines (Richards et al. 2015 PMID: 25741868, with internal and published modifications).